The following is an entry in ClinVar:

NM_017662.5(TRPM6):c.2958del (p.Ile986fs)

Gene: TRPM6 (transient receptor potential cation channel subfamily M member 6; minus strand). Cytogenetic location: 9q21.13.
Variant type: Deletion.
Coding change: c.2958del on transcript NM_017662.5 (MANE Select); coding-DNA position 2958, one base deleted (A; older notation c.2958delA).
Protein change: p.Ile986fs; shifts the reading frame from isoleucine 986.
Molecular consequence: frameshift variant.
Genome position (GRCh38, 1-based): chr9:74,782,815, T deleted on the plus strand (A on the coding strand, the reverse complement: TRPM6 is on the minus strand). VCF-style (leftmost placement, unchanged base first): chr9-74782814-CT-C. GRCh37 (hg19) VCF-style: chr9-77397730-CT-C.
Other names: c.2943del, p.Ile981fs (NM_001177310.2, NM_001177311.2); short protein forms I981fs, I986fs.
Identifiers: ClinVar variation 2572490 (VCV002572490.2), dbSNP rs2489968539, ClinGen allele CA2580616211.

ClinVar aggregate classification (germline): Pathogenic (1 of 4 stars; one submission).

Conditions:
Intestinal hypomagnesemia 1. Also called: HYPOMAGNESEMIA, INTESTINAL, WITH SECONDARY HYPOCALCEMIA; HYPOMAGNESEMIC TETANY. Identifiers: Orphanet 30924, MedGen C1865974, MONDO:0011176, OMIM 602014.

Submission:

3billion
Classification: Pathogenic for Intestinal hypomagnesemia 1. Last evaluated: 2025-11-28. Review status: criteria provided, single submitter. Criteria: ACMG Guidelines, 2015. Collection method: clinical testing. Allele origin: germline. Affected: yes.
Comment: The variant is not observed in the gnomAD v4.1.0 dataset. Predicted Consequence/Location: Frameshift: predicted to result in a loss or disruption of normal protein function through nonsense-mediated decay (NMD) or protein truncation. Multiple pathogenic variants are reported downstream of the variant. The variant has been reported to be associated with TRPM6-related disorder (ClinVar ID: VCV002572490 /3billion dataset). Therefore, this variant is classified as Pathogenic according to the recommendation of ACMG/AMP guideline.